The following is an entry in ClinVar:

ClinVar aggregate classification (germline): Uncertain significance. Review status: criteria provided, multiple submitters, no conflicts (2 of 4 stars). 2 submissions from 2 submitters: Uncertain significance (2). Last evaluated 2024-03-30.

Conditions:
Inborn genetic diseases. Identifiers: MedGen C0950123, MeSH D030342.

Allele frequency attached by ClinVar (database versions not stated): gnomAD 0.00001.
gnomAD v4.1: 2 of 1,614,126 alleles (0.00012%); highest among the groups gnomAD compares: African/African-American, 0.0027%; no homozygotes.

Submissions (2):

Ambry Genetics
Classification: Uncertain significance for Inborn genetic diseases. Last evaluated: 2024-03-30. Review status: criteria provided, single submitter. Criteria: Ambry Variant Classification Scheme 2023. Collection method: clinical testing. Allele origin: germline.

Labcorp Genetics (formerly Invitae), Labcorp
Classification: Uncertain significance. Last evaluated: 2021-04-06. Review status: criteria provided, single submitter. Criteria: Invitae Variant Classification Sherloc (09022015). Collection method: clinical testing. Allele origin: germline.
Comment: This sequence change replaces threonine with isoleucine at codon 2045 of the KMT2C protein (p.Thr2045Ile). The threonine residue is moderately conserved and there is a moderate physicochemical difference between threonine and isoleucine. This variant is not present in population databases (ExAC no frequency). This variant has not been reported in the literature in individuals with KMT2C-related conditions. Algorithms developed to predict the effect of missense changes on protein structure and function are either unavailable or do not agree on the potential impact of this missense change (SIFT: "Deleterious"; PolyPhen-2: "Benign"; Align-GVGD: "Class C0"). In summary, the available evidence is currently insufficient to determine the role of this variant in disease. Therefore, it has been classified as a Variant of Uncertain Significance.

NM_170606.3(KMT2C):c.6134C>T (p.Thr2045Ile)

Gene: KMT2C (lysine methyltransferase 2C; minus strand). Cytogenetic location: 7q36.1.
Variant type: single nucleotide variant.
Coding change: c.6134C>T on transcript NM_170606.3 (MANE Select); coding-DNA position 6134, C replaced by T.
Protein change: p.Thr2045Ile; replaces threonine 2045 with isoleucine.
Molecular consequence: missense variant.
Genome position (GRCh38, 1-based): chr7:152,181,726, G>A on the plus strand (C>T on the coding strand, the complement: KMT2C is on the minus strand). VCF-style: chr7-152181726-G-A. GRCh37 (hg19) VCF-style: chr7-151878811-G-A.
Other names: c.6134C>T (NM_170606.2); short protein forms T2045I.
Identifiers: ClinVar variation 1437894 (VCV001437894.9), dbSNP rs2129120240, ClinGen allele CA370096485.